The following is an entry in ClinVar:

ClinVar aggregate classification (germline): Pathogenic (1 of 4 stars; one submission).

Conditions:
Rubinstein-Taybi syndrome (RSTS). Identifiers: Orphanet 783, MedGen C0035934, MONDO:0019188.

Submission:

Labcorp Genetics (formerly Invitae), Labcorp
Classification: Pathogenic for Rubinstein-Taybi syndrome. Last evaluated: 2018-06-07. Review status: criteria provided, single submitter. Criteria: Invitae Variant Classification Sherloc (09022015). Collection method: clinical testing. Allele origin: germline.
Comment: For these reasons, this variant has been classified as Pathogenic. This sequence change creates a premature translational stop signal (p.Met640Hisfs*10) in the CREBBP gene. It is expected to result in an absent or disrupted protein product. This variant is not present in population databases (ExAC no frequency). This variant has not been reported in the literature in individuals with CREBBP-related disease. Loss-of-function variants in CREBBP are known to be pathogenic (PMID: 17052327, 18792986).

Literature cited by the submitters: PubMed 17052327; PubMed 18792986.

NM_004380.3(CREBBP):c.1917dup (p.Met640fs)

Gene: CREBBP (CREB binding lysine acetyltransferase; minus strand). Cytogenetic location: 16p13.3.
Variant type: Duplication.
Coding change: c.1917dup on transcript NM_004380.3 (MANE Select); coding-DNA position 1917, one base duplicated (C; older notation c.1917dupC).
Protein change: p.Met640fs; shifts the reading frame from methionine 640.
Molecular consequence: frameshift variant.
Genome position (GRCh38, 1-based): chr16:3,778,724, G duplicated on the plus strand (C on the coding strand, the reverse complement: CREBBP is on the minus strand). VCF-style (leftmost placement, unchanged base first): chr16-3778723-T-TG. GRCh37 (hg19) VCF-style: chr16-3828724-T-TG.
Other names: c.1803dup, p.Met602fs (NM_001079846.1); c.1917dupC (NM_004380.2); short protein forms M602fs, M640fs.
Identifiers: ClinVar variation 571048 (VCV000571048.8), dbSNP rs1567306142, ClinGen allele CA891843800.
Genomic context (GRCh38, chr16:3,778,723, plus strand): 5'-TGCTGTAGAGGCCAGAGCACGGTAAACAGCAACCTACCCTGCTGTTGGCAGACTCGTACA[T>TG]GTCCCCTTCCACTTTCTTAGCATAGGCTACCAGGTTTTCCATGCGGCGATCCTTTAGAGC-3'